The following is an entry in ClinVar:

ClinVar aggregate classification (germline): Uncertain significance (1 of 4 stars; one submission).

Conditions:
Early-infantile DEE. Also called: Early infantile epileptic encephalopathy; Early infantile epileptic encephalopathy with suppression bursts; Ohtahara syndrome. Identifiers: Orphanet 1934, MedGen C0393706, MONDO:0800491.

Submission:

Labcorp Genetics (formerly Invitae), Labcorp
Classification: Uncertain significance for Early-infantile DEE. Last evaluated: 2025-11-15. Review status: criteria provided, single submitter. Criteria: Invitae Variant Classification Sherloc (09022015). Collection method: clinical testing. Allele origin: germline.
Comment: This sequence change falls in intron 20 of the SCN1A gene. It does not directly change the encoded amino acid sequence of the SCN1A protein. However, this sequence change falls within a region encompassing a cryptic exon in the SCN1A gene, in which variants have been shown to alter splicing (PMID: 30526861, 34107977). This variant is not present in population databases (gnomAD no frequency). This variant has not been reported in the literature in individuals affected with SCN1A-related conditions. Algorithms developed to predict the effect of sequence changes on RNA splicing suggest that this variant is not likely to affect RNA splicing. In summary, the available evidence is currently insufficient to determine the role of this variant in disease. Therefore, it has been classified as a Variant of Uncertain Significance.

Literature cited by the submitters: PubMed 30526861; PubMed 34107977.

NM_001165963.4(SCN1A):c.4002+2526C>A

Genes: SCN1A (sodium voltage-gated channel alpha subunit 1; minus strand), LOC102724058 (uncharacterized LOC102724058; plus strand). Cytogenetic location: 2q24.3.
Variant type: single nucleotide variant.
Coding change: c.4002+2526C>A on transcript NM_001165963.4 (MANE Select); 2526 bases into the intron after coding-DNA position 4002, C replaced by A.
Molecular consequence: intron variant.
Genome position (GRCh38, 1-based): chr2:166,007,193, G>T on the plus strand (C>A on the coding strand, the complement: SCN1A is on the minus strand). VCF-style: chr2-166007193-G-T. GRCh37 (hg19) VCF-style: chr2-166863703-G-T.
Other names: c.3969+2526C>A (NM_001353949.2, NM_001353950.2, NM_001353951.2 and 2 more transcripts); c.3918+2526C>A (NM_001353958.2, NM_001353957.2, NM_001165964.3); c.4002+2526C>A (NM_001202435.3, NM_001353948.2); c.3966+2526C>A (NM_001353955.2, NM_001353954.2); c.3915+2526C>A (NM_001353960.2); c.1560+2526C>A (NM_001353961.2).
Identifiers: ClinVar variation 4803440 (VCV004803440.1).
Genomic context (GRCh38, chr2:166,007,193, plus strand): 5'-TGGTGCAATAATAGTACCCTTCCCAATCCCTCCCTCACCCCACTACACATAAGTCACAGT[G>T]CAAGGATTAAAGGTAGCAAAAGGGGTAATACAGTACCCATAATAAAGGGCTCAGGGGAGG-3'